The following is an entry in ClinVar:

ClinVar aggregate classification (germline): Uncertain significance. Review status: criteria provided, multiple submitters, no conflicts (2 of 4 stars). 3 submissions from 3 submitters: Uncertain significance (3). Last evaluated 2025-07-31.

Conditions:
SCN3A-related disorder. Also called: SCN3A-related condition.

Allele frequency attached by ClinVar (database versions not stated): gnomAD exomes 0.00001 and 0.00002; ExAC 0.00002; gnomAD 0.00002 and 0.00003; TOPMed 0.00002.
gnomAD v4.1: 21 of 1,613,940 alleles (0.0013%); highest among the groups gnomAD compares: Non-Finnish European, 0.0015%; no homozygotes.

Submissions (3):

Labcorp Genetics (formerly Invitae), Labcorp
Classification: Uncertain significance. Last evaluated: 2025-07-31. Review status: criteria provided, single submitter. Criteria: Invitae Variant Classification Sherloc (09022015). Collection method: clinical testing. Allele origin: germline.
Comment: This sequence change replaces glutamic acid, which is acidic and polar, with glycine, which is neutral and non-polar, at codon 1900 of the SCN3A protein (p.Glu1900Gly). This variant is present in population databases (rs747096151, gnomAD 0.007%). This missense change has been observed in individual(s) with autism spectrum disorders (PMID: 24467814). ClinVar contains an entry for this variant (Variation ID: 805386). Invitae Evidence Modeling of protein sequence and biophysical properties (such as structural, functional, and spatial information, amino acid conservation, physicochemical variation, residue mobility, and thermodynamic stability) indicates that this missense variant is expected to disrupt SCN3A protein function with a positive predictive value of 80%. In summary, the available evidence is currently insufficient to determine the role of this variant in disease. Therefore, it has been classified as a Variant of Uncertain Significance.

PreventionGenetics, part of Exact Sciences
Classification: Uncertain significance for SCN3A-related condition. Last evaluated: 2025-05-22. Review status: criteria provided, single submitter. Criteria: ACMG Guidelines, 2015. Collection method: clinical testing. Allele origin: germline.
Comment: The SCN3A c.5699A>G variant is predicted to result in the amino acid substitution p.Glu1900Gly. This variant has been reported in an individual with Autism spectrum disorder (reported as chr2:165946964, E1851G in Table 4, Matsunami et al. 2014. PubMed ID: 24467814). This variant is reported in 0.0062% of alleles in individuals of African descent in gnomAD. At this time, the clinical significance of this variant is uncertain due to the absence of conclusive functional and genetic evidence.

Athena Diagnostics
Classification: Uncertain significance. Last evaluated: 2018-12-28. Review status: criteria provided, single submitter. Criteria: Athena Diagnostics Criteria. Collection method: clinical testing. Allele origin: germline.

Literature cited by the submitters: PubMed 24467814 (cited by Labcorp Genetics (formerly Invitae), Labcorp and Athena Diagnostics).

NM_006922.4(SCN3A):c.5699A>G (p.Glu1900Gly)

Gene: SCN3A (sodium voltage-gated channel alpha subunit 3; minus strand). Cytogenetic location: 2q24.3.
Variant type: single nucleotide variant.
Coding change: c.5699A>G on transcript NM_006922.4 (MANE Select); coding-DNA position 5699, A replaced by G.
Protein change: p.Glu1900Gly; replaces glutamic acid 1900 with glycine.
Molecular consequence: missense variant.
Genome position (GRCh38, 1-based): chr2:165,090,454, T>C on the plus strand (A>G on the coding strand, the complement: SCN3A is on the minus strand). VCF-style: chr2-165090454-T-C. GRCh37 (hg19) VCF-style: chr2-165946964-T-C.
Other names: c.5552A>G, p.Glu1851Gly (NM_001081676.2, NM_001081677.2); short protein forms E1851G, E1900G.
Identifiers: ClinVar variation 805386 (VCV000805386.10), dbSNP rs747096151, ClinGen allele CA1938368.